The following is an entry in ClinVar:

ClinVar aggregate classification (germline): Benign (1 of 4 stars; one submission).

Conditions:
Leigh syndrome (NULS). Also called: Leigh's necrotizing encephalopathy; Leigh's disease; Leigh's syndrome; LEIGH SYNDROME, NUCLEAR; Leigh Syndrome (mtDNA deletion); Leigh Disease. Identifiers: Orphanet 506, MedGen C2931891, MONDO:0009723, OMIM 256000.

Submission:

Wong Mito Lab, Molecular and Human Genetics, Baylor College of Medicine
Classification: Benign for Leigh syndrome. Last evaluated: 2019-10-17. Review status: criteria provided, single submitter. Criteria: Modified ACMG Guidelines (Unpublished). Collection method: clinical testing. Allele origin: germline.
Comment: The NC_012920.1:m.14129C>T (YP_003024036.1:p.Thr598Ile) variant in MTND5 gene is interpretated to be a Benign variant based on the modified ACMG guidelines (unpublished). This variant meets the following evidence codes: BS1, BS2

NC_012920.1(MT-ND5):m.14129C>T

Gene: MT-ND5 (mitochondrially encoded NADH dehydrogenase 5; plus strand).
Variant type: single nucleotide variant.
Genome position: chrM-14129-C-T.
Identifiers: ClinVar variation 693671 (VCV000693671.1), dbSNP rs879039557, ClinGen allele CA337099924.